The following is an entry in ClinVar:

ClinVar aggregate classification (germline): Uncertain significance (1 of 4 stars; one submission).

Conditions:
Hypoplastic enamel-onycholysis-hypohidrosis syndrome (TNS). Also called: WITKOP SYNDROME; Tooth-and-Nail Syndrome; NAIL DYSPLASIA WITH HYPODONTIA; ECTODERMAL DYSPLASIA 3, TOOTH/NAIL TYPE; ECTODERMAL DYSPLASIA 3, WITKOP TYPE. Identifiers: Orphanet 2228, MedGen C0406735, MONDO:0008582, OMIM 189500.

gnomAD v4.1: 6 of 1,495,086 alleles (0.0004%); highest among the groups gnomAD compares: Non-Finnish European, 0.00053%; no homozygotes.

Submission:

Labcorp Genetics (formerly Invitae), Labcorp
Classification: Uncertain significance for Hypoplastic enamel-onycholysis-hypohidrosis syndrome. Last evaluated: 2024-02-24. Review status: criteria provided, single submitter. Criteria: Invitae Variant Classification Sherloc (09022015). Collection method: clinical testing. Allele origin: germline.
Comment: This sequence change replaces serine, which is neutral and polar, with glycine, which is neutral and non-polar, at codon 34 of the MSX1 protein (p.Ser34Gly). This variant is not present in population databases (gnomAD no frequency). This variant has not been reported in the literature in individuals affected with MSX1-related conditions. ClinVar contains an entry for this variant (Variation ID: 2142904). Algorithms developed to predict the effect of missense changes on protein structure and function output the following: SIFT: "Not Available"; PolyPhen-2: "Benign"; Align-GVGD: "Not Available". The glycine amino acid residue is found in multiple mammalian species, which suggests that this missense change does not adversely affect protein function. In summary, the available evidence is currently insufficient to determine the role of this variant in disease. Therefore, it has been classified as a Variant of Uncertain Significance.

NM_002448.3(MSX1):c.100A>G (p.Ser34Gly)

Genes: MSX1 (msh homeobox 1; plus strand), LOC129992137 (ATAC-STARR-seq lymphoblastoid silent region 15219; plus strand). Cytogenetic location: 4p16.2.
Variant type: single nucleotide variant.
Coding change: c.100A>G on transcript NM_002448.3 (MANE Select); coding-DNA position 100, A replaced by G.
Protein change: p.Ser34Gly; replaces serine 34 with glycine.
Molecular consequence: missense variant.
Genome position (GRCh38, 1-based): chr4:4,859,999, A>G. VCF-style: chr4-4859999-A-G. GRCh37 (hg19) VCF-style: chr4-4861726-A-G.
Other names: short protein forms S34G.
Identifiers: ClinVar variation 2142904 (VCV002142904.4), dbSNP rs1737867949, ClinGen allele CA356137150.
Genomic context (GRCh38, chr4:4,859,999, plus strand): 5'-GTCAAAGTGGAGGACTCCGCCTTCGGCAAGCCGGCGGGGGGAGGCGCGGGCCAGGCCCCC[A>G]GCGCCGCCGCGGCCACGGCAGCCGCCATGGGCGCGGACGAGGAGGGGGCCAAGCCCAAAG-3'
Protein context (NP_002439.2, residues 24-44): PAGGGAGQAP[Ser34Gly]AAAATAAAMG